The following is an entry in ClinVar:

NM_003640.5(ELP1):c.741-2A>C

Gene: ELP1 (elongator acetyltransferase complex subunit 1; minus strand). Cytogenetic location: 9q31.3.
Variant type: single nucleotide variant.
Coding change: c.741-2A>C on transcript NM_003640.5 (MANE Select); the canonical splice acceptor site of the intron before coding-DNA position 741, A replaced by C.
Molecular consequence: splice acceptor variant.
Genome position (GRCh38, 1-based): chr9:108,917,672, T>G on the plus strand (A>C on the coding strand, the complement: ELP1 is on the minus strand). VCF-style: chr9-108917672-T-G. GRCh37 (hg19) VCF-style: chr9-111679952-T-G.
Other names: c.399-2A>C (NM_001318360.2); c.-307-2A>C (NM_001330749.2).
Identifiers: ClinVar variation 1907356 (VCV001907356.5), dbSNP rs2537939987, ClinGen allele CA374386546.

ClinVar aggregate classification (germline): Likely pathogenic (1 of 4 stars; one submission).

Submission:

Labcorp Genetics (formerly Invitae), Labcorp
Classification: Likely pathogenic. Last evaluated: 2022-09-15. Review status: criteria provided, single submitter. Criteria: Invitae Variant Classification Sherloc (09022015). Collection method: clinical testing. Allele origin: germline.
Comment: In summary, the currently available evidence indicates that the variant is pathogenic, but additional data are needed to prove that conclusively. Therefore, this variant has been classified as Likely Pathogenic. Algorithms developed to predict the effect of sequence changes on RNA splicing suggest that this variant may disrupt the consensus splice site. This variant has not been reported in the literature in individuals affected with ELP1-related conditions. This variant is not present in population databases (gnomAD no frequency). This sequence change affects an acceptor splice site in intron 8 of the ELP1 gene. It is expected to disrupt RNA splicing. Variants that disrupt the donor or acceptor splice site typically lead to a loss of protein function (PMID: 16199547), and loss-of-function variants in ELP1 are known to be pathogenic (PMID: 18303054, 24173031).

Literature cited by the submitters: PubMed 16199547; PubMed 18303054; PubMed 24173031.